The following is an entry in ClinVar:

ClinVar aggregate classification (germline): Uncertain significance. Review status: criteria provided, multiple submitters, no conflicts (2 of 4 stars). 8 submissions from 4 submitters: Uncertain significance (8). Last evaluated 2025-05-16.

Conditions:
Tibial muscular dystrophy (TMD). Also called: Udd Distal Myopathy – Tibial Muscular Dystrophy; UDD MYOPATHY; Tibial muscular dystrophy, tardive. Identifiers: Orphanet 609, MedGen C1838244, MONDO:0010870, OMIM 600334.
Autosomal recessive limb-girdle muscular dystrophy type 2J (LGMDR10). Also called: Limb-girdle muscular dystrophy, type 2J; MUSCULAR DYSTROPHY, LIMB-GIRDLE, AUTOSOMAL RECESSIVE 10. Identifiers: Orphanet 140922, MedGen C1837342, MONDO:0012127, OMIM 608807.
Early-onset myopathy with fatal cardiomyopathy (CMYO5). Also called: CONGENITAL MYOPATHY 5 WITH CARDIOMYOPATHY; Salih Myopathy. Identifiers: Orphanet 289377, MedGen C2673677, MONDO:0012714, OMIM 611705. Disease mechanism: loss of function.
Dilated cardiomyopathy 1G (CMD1G). Identifiers: Orphanet 154, MedGen C1858763, MONDO:0011400, OMIM 604145.
Myopathy, myofibrillar, 9, with early respiratory failure (MFM9). Also called: MYOPATHY, PROXIMAL, WITH EARLY RESPIRATORY MUSCLE INVOLVEMENT; Hereditary myopathy with early respiratory failure; Myopathy, distal, with early respiratory failure, autosomal dominant; EDSTROM MYOPATHY. Identifiers: Orphanet 178464, Orphanet 34521, MedGen C1863599, MONDO:0011362, OMIM 603689.

Allele frequency attached by ClinVar (database versions not stated): gnomAD exomes below 0.00001 and 0.00001; gnomAD 0.00001; TOPMed 0.00001.
gnomAD v4.1: 22 of 1,613,292 alleles (0.0014%); highest among the groups gnomAD compares: Non-Finnish European, 0.0014%; no homozygotes.

Submissions (8):

Revvity Omics, Revvity
Classification: Uncertain significance. Last evaluated: 2025-05-16. Review status: criteria provided, single submitter. Criteria: ACMG Guidelines, 2015. Collection method: clinical testing. Allele origin: germline.

GeneDx
Classification: Uncertain significance. Last evaluated: 2024-04-05. Review status: criteria provided, single submitter. Criteria: GeneDx Variant Classification Process June 2021. Collection method: clinical testing. Allele origin: germline. Affected: yes.
Comment: Not observed at significant frequency in large population cohorts (gnomAD); Missense variant in a gene in which most reported pathogenic variants are truncating/loss of function; Has not been previously published as pathogenic or benign to our knowledge

CeGaT Center for Human Genetics Tuebingen
Classification: Uncertain significance. Last evaluated: 2024-02-01. Review status: criteria provided, single submitter. Criteria: CeGaT Center For Human Genetics Tuebingen Variant Classification Criteria Version 2. Collection method: clinical testing. Allele origin: germline. Affected: yes. Observed: 1 variant allele.
Comment: TTN: PM2, BP4

Illumina Laboratory Services, Illumina
Classification: Uncertain significance for Tibial muscular dystrophy. Last evaluated: 2018-01-12. Review status: criteria provided, single submitter. Criteria: ICSL Variant Classification Criteria 13 December 2019. Collection method: clinical testing. Allele origin: germline.

Illumina Laboratory Services, Illumina
Classification: Uncertain significance for Early-onset myopathy with fatal cardiomyopathy. Last evaluated: 2018-01-12. Review status: criteria provided, single submitter. Criteria: ICSL Variant Classification Criteria 13 December 2019. Collection method: clinical testing. Allele origin: germline.

Illumina Laboratory Services, Illumina
Classification: Uncertain significance for Myopathy, myofibrillar, 9, with early respiratory failure. Last evaluated: 2018-01-12. Review status: criteria provided, single submitter. Criteria: ICSL Variant Classification Criteria 13 December 2019. Collection method: clinical testing. Allele origin: germline.

Illumina Laboratory Services, Illumina
Classification: Uncertain significance for Autosomal recessive limb-girdle muscular dystrophy type 2J. Last evaluated: 2018-01-12. Review status: criteria provided, single submitter. Criteria: ICSL Variant Classification Criteria 13 December 2019. Collection method: clinical testing. Allele origin: germline.

Illumina Laboratory Services, Illumina
Classification: Uncertain significance for Dilated cardiomyopathy 1G. Last evaluated: 2018-01-12. Review status: criteria provided, single submitter. Criteria: ICSL Variant Classification Criteria 13 December 2019. Collection method: clinical testing. Allele origin: germline.

NM_001267550.2(TTN):c.77639C>T (p.Thr25880Ile)

Genes: TTN (titin; minus strand), TTN-AS1 (TTN antisense RNA 1; plus strand). Cytogenetic location: 2q31.2.
Variant type: single nucleotide variant.
Coding change: c.77639C>T on transcript NM_001267550.2 (MANE Select); coding-DNA position 77639, C replaced by T.
Protein change: p.Thr25880Ile; replaces threonine 25880 with isoleucine.
Molecular consequence: missense variant.
Genome position (GRCh38, 1-based): chr2:178,568,493, G>A on the plus strand (C>T on the coding strand, the complement: TTN is on the minus strand). VCF-style: chr2-178568493-G-A. GRCh37 (hg19) VCF-style: chr2-179433220-G-A.
Other names: c.77639C>T (NM_001267550.1); c.72716C>T, p.Thr24239Ile (NM_001256850.1); c.50444C>T, p.Thr16815Ile (NM_003319.4); c.69935C>T, p.Thr23312Ile (NM_133378.4); c.50819C>T, p.Thr16940Ile (NM_133432.3); c.51020C>T, p.Thr17007Ile (NM_133437.4); short protein forms T23312I, T16815I, T24239I, T25880I, T16940I, T17007I.
Identifiers: ClinVar variation 894080 (VCV000894080.29), dbSNP rs1332594097, ClinGen allele CA349605762.